The following is an entry in ClinVar:

NM_024529.5(CDC73):c.130G>C (p.Gly44Arg)

Gene: CDC73 (cell division cycle 73; plus strand). Cytogenetic location: 1q31.2.
Variant type: single nucleotide variant.
Coding change: c.130G>C on transcript NM_024529.5 (MANE Select); coding-DNA position 130, G replaced by C.
Protein change: p.Gly44Arg; replaces glycine 44 with arginine.
Molecular consequence: missense variant.
Genome position (GRCh38, 1-based): chr1:193,122,330, G>C. VCF-style: chr1-193122330-G-C. GRCh37 (hg19) VCF-style: chr1-193091460-G-C.
Other names: short protein forms G44R.
Identifiers: ClinVar variation 3829890 (VCV003829890.1).

ClinVar aggregate classification (germline): Uncertain significance (1 of 4 stars; one submission).

Conditions:
Hereditary cancer-predisposing syndrome. Also called: Hereditary neoplastic syndrome; Neoplastic Syndromes, Hereditary; Tumor predisposition; Hereditary Cancer Syndrome. Identifiers: Orphanet 140162, MedGen C0027672, MeSH D009386, MONDO:0015356.

Submission:

Ambry Genetics
Classification: Uncertain significance for Hereditary cancer-predisposing syndrome. Last evaluated: 2024-12-20. Review status: criteria provided, single submitter. Criteria: Ambry Variant Classification Scheme 2023. Collection method: clinical testing. Allele origin: germline.
Comment: The p.G44R variant (also known as c.130G>C), located in coding exon 1 of the CDC73 gene, results from a G to C substitution at nucleotide position 130. The glycine at codon 44 is replaced by arginine, an amino acid with dissimilar properties. This amino acid position is conserved. In addition, this alteration is predicted to be deleterious by in silico analysis. Based on the available evidence, the clinical significance of this variant remains unclear.